The following is an entry in ClinVar:

ClinVar aggregate classification (germline): Uncertain significance (1 of 4 stars; one submission).

Conditions:
DiGeorge syndrome. Also called: THIRD AND FOURTH PHARYNGEAL POUCH SYNDROME; Catch22. Identifiers: Orphanet 567, MedGen C0012236, MONDO:0008564, OMIM 188400.

Allele frequency attached by ClinVar (database versions not stated): gnomAD exomes below 0.00001.

Submission:

Labcorp Genetics (formerly Invitae), Labcorp
Classification: Uncertain significance for DiGeorge syndrome. Last evaluated: 2026-01-27. Review status: criteria provided, single submitter. Criteria: Invitae Variant Classification Sherloc (09022015). Collection method: clinical testing. Allele origin: germline.
Comment: This sequence change replaces phenylalanine, which is neutral and non-polar, with isoleucine, which is neutral and non-polar, at codon 162 of the TBX1 protein (p.Phe162Ile). This variant is not present in population databases (gnomAD no frequency). This variant has not been reported in the literature in individuals affected with TBX1-related conditions. ClinVar contains an entry for this variant (Variation ID: 1345966). Invitae Evidence Modeling of protein sequence and biophysical properties (such as structural, functional, and spatial information, amino acid conservation, physicochemical variation, residue mobility, and thermodynamic stability) indicates that this missense variant is not expected to disrupt TBX1 protein function with a negative predictive value of 80%. In summary, the available evidence is currently insufficient to determine the role of this variant in disease. Therefore, it has been classified as a Variant of Uncertain Significance.

NM_001379200.1(TBX1):c.511T>A (p.Phe171Ile)

Gene: TBX1 (T-box transcription factor 1; plus strand). Cytogenetic location: 22q11.21.
Variant type: single nucleotide variant.
Coding change: c.511T>A on transcript NM_001379200.1 (MANE Select); coding-DNA position 511, T replaced by A.
Protein change: p.Phe171Ile; replaces phenylalanine 171 with isoleucine.
Molecular consequence: missense variant.
Genome position (GRCh38, 1-based): chr22:19,763,314, T>A. VCF-style: chr22-19763314-T-A. GRCh37 (hg19) VCF-style: chr22-19750837-T-A.
Other names: c.484T>A, p.Phe162Ile (NM_005992.1, NM_080646.2, NM_080647.1); short protein forms F171I, F162I.
Identifiers: ClinVar variation 1345966 (VCV001345966.8), dbSNP rs2145832375, ClinGen allele CA410682328.